The following is an entry in ClinVar:

ClinVar aggregate classification (germline): Uncertain significance (1 of 4 stars; one submission).

Conditions:
Inborn genetic diseases. Identifiers: MedGen C0950123, MeSH D030342.

Submission:

Ambry Genetics
Classification: Uncertain significance for Inborn genetic diseases. Last evaluated: 2024-12-20. Review status: criteria provided, single submitter. Criteria: Ambry Variant Classification Scheme 2023. Collection method: clinical testing. Allele origin: germline.
Comment: The p.Q470H variant (also known as c.1410A>T), located in coding exon 8 of the ERCC6L2 gene, results from an A to T substitution at nucleotide position 1410. The glutamine at codon 470 is replaced by histidine, an amino acid with highly similar properties. This amino acid position is conserved. In addition, this alteration is predicted to be tolerated by in silico analysis. Based on the available evidence, the clinical significance of this variant remains unclear.

NM_020207.7(ERCC6L2):c.1410A>T (p.Gln470His)

Gene: ERCC6L2 (ERCC excision repair 6 like 2; plus strand). Cytogenetic location: 9q22.32.
Variant type: single nucleotide variant.
Coding change: c.1410A>T on transcript NM_020207.7 (MANE Select); coding-DNA position 1410, A replaced by T.
Protein change: p.Gln470His; replaces glutamine 470 with histidine.
Molecular consequence: missense variant. On other transcripts: non-coding transcript variant (1).
Genome position (GRCh38, 1-based): chr9:95,922,415, A>T. VCF-style: chr9-95922415-A-T. GRCh37 (hg19) VCF-style: chr9-98684697-A-T.
Other names: c.1410A>T, p.Gln470His (NM_001010895.4, NM_001375291.1, NM_001375292.1 and 2 more transcripts); short protein forms Q470H.
Identifiers: ClinVar variation 3845809 (VCV003845809.1).